The following is an entry in ClinVar:

NM_002332.3(LRP1):c.2065C>T (p.Arg689Ter)

Gene: LRP1 (LDL receptor related protein 1; plus strand). Cytogenetic location: 12q13.3.
Variant type: single nucleotide variant.
Coding change: c.2065C>T on transcript NM_002332.3 (MANE Select); coding-DNA position 2065, C replaced by T.
Protein change: p.Arg689Ter; replaces arginine 689 with a stop codon.
Molecular consequence: nonsense.
Genome position (GRCh38, 1-based): chr12:57,160,978, C>T. VCF-style: chr12-57160978-C-T. GRCh37 (hg19) VCF-style: chr12-57554761-C-T.
Other names: short protein forms R689*.
Identifiers: ClinVar variation 4975218 (VCV004975218.1).
Genomic context (GRCh38, chr12:57,160,978, plus strand): 5'-GAGGACCCCAAGGACAGTCGGCGTGGGCGGCTGGAGAGGGCGTGGATGGATGGCTCACAC[C>T]GAGACATCTTTGTCACCTCCAAGACAGTGCTTTGGCCCAATGGGCTAAGCCTGGACATCC-3'

ClinVar aggregate classification (germline): Uncertain significance (1 of 4 stars; one submission).

gnomAD v4.1: 1 of 1,613,830 alleles (0.000062%); highest among the groups gnomAD compares: African/African-American, 0.0013%; no homozygotes.

Submission:

GeneDx
Classification: Uncertain significance. Last evaluated: 2025-12-31. Review status: criteria provided, single submitter. Criteria: GeneDx Variant Classification Process June 2021. Collection method: clinical testing. Allele origin: germline.
Comment: Not observed at significant frequency in large population cohorts (gnomAD); Nonsense variant predicted to result in protein truncation or nonsense mediated decay in a gene or region of a gene for which loss of function is not an established mechanism of disease; In silico analysis suggests this variant may impact gene splicing. In the absence of RNA/functional studies, the actual effect of this sequence change is unknown.; Has not been previously published as pathogenic or benign to our knowledge; Variants in candidate genes are classified as variants of uncertain significance in accordance with ACMG guidelines (PMID: 25741868)